The following is an entry in ClinVar:

NM_002439.5(MSH3):c.1027+2T>C

Genes: MSH3 (mutS homolog 3; plus strand), LOC126807437 (MED14-independent group 3 enhancer GRCh37_chr5:79968379-79969578; plus strand). Cytogenetic location: 5q14.1.
Variant type: single nucleotide variant.
Coding change: c.1027+2T>C on transcript NM_002439.5 (MANE Select); the canonical splice donor site of the intron after coding-DNA position 1027, T replaced by C.
Molecular consequence: splice donor variant.
Genome position (GRCh38, 1-based): chr5:80,672,860, T>C. VCF-style: chr5-80672860-T-C. GRCh37 (hg19) VCF-style: chr5-79968679-T-C.
Identifiers: ClinVar variation 1467535 (VCV001467535.8), dbSNP rs2112814400, ClinGen allele CA360267569.

ClinVar aggregate classification (germline): Uncertain significance. Review status: criteria provided, multiple submitters, no conflicts (2 of 4 stars). 2 submissions from 2 submitters: Uncertain significance (2). Last evaluated 2023-08-11.

Conditions:
Hereditary cancer-predisposing syndrome. Also called: Tumor predisposition; Hereditary Cancer Syndrome; Hereditary neoplastic syndrome; Neoplastic Syndromes, Hereditary. Identifiers: Orphanet 140162, MedGen C0027672, MeSH D009386, MONDO:0015356.

Submissions (2):

Labcorp Genetics (formerly Invitae), Labcorp
Classification: Uncertain significance. Last evaluated: 2023-08-11. Review status: criteria provided, single submitter. Criteria: Invitae Variant Classification Sherloc (09022015). Collection method: clinical testing. Allele origin: germline.
Comment: In summary, the available evidence is currently insufficient to determine the role of this variant in disease. Therefore, it has been classified as a Variant of Uncertain Significance. Variants that disrupt the consensus splice site are a relatively common cause of aberrant splicing (PMID: 17576681, 9536098). Studies have shown that this variant results in skipping of exon 7 and introduces a premature termination codon (Invitae). The resulting mRNA is expected to undergo nonsense-mediated decay. ClinVar contains an entry for this variant (Variation ID: 1467535). This variant has not been reported in the literature in individuals affected with MSH3-related conditions. This variant is not present in population databases (gnomAD no frequency). This sequence change falls in intron 6 of the MSH3 gene. It does not directly change the encoded amino acid sequence of the MSH3 protein. RNA analysis indicates that this variant induces altered splicing and may result in an absent or disrupted protein product.

Ambry Genetics
Classification: Uncertain significance for Hereditary cancer-predisposing syndrome. Last evaluated: 2022-08-08. Review status: criteria provided, single submitter. Criteria: Ambry Variant Classification Scheme 2023. Collection method: clinical testing. Allele origin: germline.
Comment: The c.1027+2T>C intronic variant results from a T to C substitution two nucleotides after coding exon 6 in the MSH3 gene. This alteration is located within a U12-type intron and in silico tools are not reliable predictors of splice sites in this type of intron. Alterations that disrupt the canonical splice site are expected to cause aberrant splicing, resulting in an abnormal protein or a transcript that is subject to nonsense-mediated mRNA decay; however, +2T>C alterations are capable of generating wild-type transcripts in some genomic contexts and should be interpreted with caution (Lin JH et al. Hum Mutat. 2019 10;40:1856-1873). Since supporting evidence is limited at this time, the clinical significance of this alteration remains unclear.

Literature cited by the submitters: PubMed 17576681 (cited by Labcorp Genetics (formerly Invitae), Labcorp); PubMed 9536098 (cited by Labcorp Genetics (formerly Invitae), Labcorp); PubMed 8838312 (cited by Ambry Genetics).